The following is an entry in ClinVar:

ClinVar aggregate classification (germline): Uncertain significance (1 of 4 stars; one submission).

Allele frequency attached by ClinVar (database versions not stated): gnomAD exomes below 0.00001.
gnomAD v4.1: 1 of 1,614,220 alleles (0.000062%); highest among the groups gnomAD compares: Non-Finnish European, 0.000085%; no homozygotes.

Submission:

Labcorp Genetics (formerly Invitae), Labcorp
Classification: Uncertain significance. Last evaluated: 2023-07-28. Review status: criteria provided, single submitter. Criteria: Invitae Variant Classification Sherloc (09022015). Collection method: clinical testing. Allele origin: germline.
Comment: In summary, the available evidence is currently insufficient to determine the role of this variant in disease. Therefore, it has been classified as a Variant of Uncertain Significance. Advanced modeling of protein sequence and biophysical properties (such as structural, functional, and spatial information, amino acid conservation, physicochemical variation, residue mobility, and thermodynamic stability) performed at Invitae indicates that this missense variant is not expected to disrupt ITGB3 protein function. This variant has not been reported in the literature in individuals affected with ITGB3-related conditions. This variant is not present in population databases (gnomAD no frequency). This sequence change replaces glutamic acid, which is acidic and polar, with aspartic acid, which is acidic and polar, at codon 710 of the ITGB3 protein (p.Glu710Asp).

NM_000212.3(ITGB3):c.2130G>C (p.Glu710Asp)

Gene: ITGB3 (integrin subunit beta 3; plus strand). Cytogenetic location: 17q21.32.
Variant type: single nucleotide variant.
Coding change: c.2130G>C on transcript NM_000212.3 (MANE Select); coding-DNA position 2130, G replaced by C.
Protein change: p.Glu710Asp; replaces glutamic acid 710 with aspartic acid.
Molecular consequence: missense variant.
Genome position (GRCh38, 1-based): chr17:47,302,836, G>C. VCF-style: chr17-47302836-G-C. GRCh37 (hg19) VCF-style: chr17-45380202-G-C.
Other names: short protein forms E710D.
Identifiers: ClinVar variation 2900377 (VCV002900377.3), dbSNP rs2547622281, ClinGen allele CA400033335.